The following is an entry in ClinVar:

NM_002055.5(GFAP):c.1048C>G (p.Gln350Glu)

Gene: GFAP (glial fibrillary acidic protein; minus strand). Cytogenetic location: 17q21.31.
Variant type: single nucleotide variant.
Coding change: c.1048C>G on transcript NM_002055.5 (MANE Select); coding-DNA position 1048, C replaced by G.
Protein change: p.Gln350Glu; replaces glutamine 350 with glutamic acid.
Molecular consequence: missense variant.
Genome position (GRCh38, 1-based): chr17:44,911,315, G>C on the plus strand (C>G on the coding strand, the complement: GFAP is on the minus strand). VCF-style: chr17-44911315-G-C. GRCh37 (hg19) VCF-style: chr17-42988683-G-C.
Other names: c.1048C>G, p.Gln350Glu (NM_001131019.3, NM_001242376.3, NM_001363846.2); short protein forms Q350E.
Identifiers: ClinVar variation 3899817 (VCV003899817.1).

ClinVar aggregate classification (germline): Uncertain significance (1 of 4 stars; one submission).

Submission:

GeneDx
Classification: Uncertain significance. Last evaluated: 2024-11-15. Review status: criteria provided, single submitter. Criteria: GeneDx Variant Classification Process June 2021. Collection method: clinical testing. Allele origin: germline. Affected: yes.
Comment: Not observed at significant frequency in large population cohorts (gnomAD); In silico analysis supports that this missense variant has a deleterious effect on protein structure/function; Has not been previously published as pathogenic or benign to our knowledge